The following is an entry in ClinVar:

NM_000277.3(PAH):c.737C>A (p.Ala246Asp)

Gene: PAH (phenylalanine hydroxylase; minus strand). Cytogenetic location: 12q23.2.
Variant type: single nucleotide variant.
Coding change: c.737C>A on transcript NM_000277.3 (MANE Select); coding-DNA position 737, C replaced by A.
Protein change: p.Ala246Asp; replaces alanine 246 with aspartic acid.
Molecular consequence: missense variant.
Genome position (GRCh38, 1-based): chr12:102,852,920, G>T on the plus strand (C>A on the coding strand, the complement: PAH is on the minus strand). VCF-style: chr12-102852920-G-T. GRCh37 (hg19) VCF-style: chr12-103246698-G-T.
Other names: NM_000277.2(PAH):c.737C>A; c.737C>A, p.Ala246Asp (NM_001354304.2); short protein forms A246D.
Identifiers: ClinVar variation 102812 (VCV000102812.9), dbSNP rs199475610, ClinGen allele CA229726.

ClinVar aggregate classification (germline): Uncertain significance. Review status: reviewed by expert panel (3 of 4 stars). 6 submissions from 6 submitters: Uncertain significance (1). 5 of the submissions do not count toward it. Last evaluated 2020-11-13.

Conditions:
Phenylketonuria (PKU). Also called: Phenylketonuria (PKU); FOLLING DISEASE; OLIGOPHRENIA PHENYLPYRUVICA; Phenylketonurias. Identifiers: Orphanet 716, MedGen C0031485, MONDO:0009861, OMIM 261600. Disease mechanism: loss of function.

gnomAD v4.1: 4 of 1,614,126 alleles (0.00025%); highest among the groups gnomAD compares: Non-Finnish European, 0.000085%; no homozygotes.

Submissions (6):

ClinGen PAH Variant Curation Expert Panel
Classification: Uncertain significance for Phenylketonuria. Last evaluated: 2020-11-13. Review status: reviewed by expert panel. Criteria: ClinGen PAH ACMG Specifications v1. Collection method: curation. Allele origin: germline. Inheritance: Autosomal recessive inheritance.
Comment: The c.737C>A (p.Ala246Asp) variant in PAH has been reported in 2 patients with PKU (PMID: 9012412,12173030), detected with pathogenic variant p.R408W in one patient (PMID: 31623983). This variant is absent in population databases. A deleterious effect is predicted by multiple lines of computational evidence. In summary, this variant meets criteria to be classified as uncertain significance for PAH. PAH-specific ACMG/AMP criteria applied: PP4, PM2, PP3, PM3_supporting.

Labcorp Genetics (formerly Invitae), Labcorp
Classification: Pathogenic for Phenylketonuria. Last evaluated: 2025-12-16. Review status: criteria provided, single submitter. Criteria: Invitae Variant Classification Sherloc (09022015). Collection method: clinical testing. Allele origin: germline. Not counted in ClinVar's aggregate classification.
Comment: This sequence change replaces alanine, which is neutral and non-polar, with aspartic acid, which is acidic and polar, at codon 246 of the PAH protein (p.Ala246Asp). This variant is not present in population databases (gnomAD no frequency). This missense change has been observed in individual(s) with phenylketonuria (PKU) (PMID: 32668217; internal data). ClinVar contains an entry for this variant (Variation ID: 102812). Invitae Evidence Modeling of protein sequence and biophysical properties (such as structural, functional, and spatial information, amino acid conservation, physicochemical variation, residue mobility, and thermodynamic stability) indicates that this missense variant is expected to disrupt PAH protein function with a positive predictive value of 80%. This variant disrupts the p.Ala246 amino acid residue in PAH. Other variant(s) that disrupt this residue have been observed in individuals with PAH-related conditions (PMID: 32668217), which suggests that this may be a clinically significant amino acid residue. For these reasons, this variant has been classified as Pathogenic.

Myriad Genetics, Inc.
Classification: Uncertain significance for Phenylketonuria. Last evaluated: 2025-12-05. Review status: criteria provided, single submitter. Criteria: Myriad Autosomal Dominant, Autosomal Recessive and X-Linked Classification Criteria (2023). Collection method: clinical testing. Allele origin: unknown. Not counted in ClinVar's aggregate classification.
Comment: NM_000277.1(PAH):c.737C>A(A246D) is a missense variant classified as a variant of uncertain significance in the context of phenylalanine hydroxylase deficiency. A246D has been observed in cases with relevant disease (PMID: 31623983, 12173030, 9012412). Relevant functional assessments of this variant are not available in the literature. A246D has not been observed in referenced population frequency databases. In summary, there is insufficient evidence to classify NM_000277.1(PAH):c.737C>A(A246D) as pathogenic or benign. Please note: this variant was assessed in the context of healthy population screening.

Women's Health and Genetics/Laboratory Corporation of America, LabCorp
Classification: Likely pathogenic for Phenylketonuria. Last evaluated: 2025-07-31. Review status: criteria provided, single submitter. Criteria: LabCorp Variant Classification Summary - May 2015. Collection method: clinical testing. Allele origin: germline. Not counted in ClinVar's aggregate classification.
Comment: Variant summary: PAH c.737C>A (p.Ala246Asp) results in a non-conservative amino acid change located in the Biopterin-dependent aromatic amino acid hydroxylase family domain (IPR019774) of the encoded protein sequence. Algorithms developed to predict the effect of missense changes on protein structure and function all suggest that this variant is likely to be disruptive. The variant was absent in 251204 control chromosomes. c.737C>A has been reported in the literature in two individuals affected with Phenylalanine Hydroxylase Deficiency (Phenylketonuria) (Hillert_2020, internal data). These data indicate that the variant may be associated with disease. To our knowledge, no experimental evidence demonstrating an impact on protein function has been reported. A different variant affecting the same codon has been classified as likely pathogenic by our lab (c.737C>T; p.Ala246Val), supporting the critical relevance of codon 246 to PAH protein function. The following publications have been ascertained in the context of this evaluation (PMID: 32668217, 9012412). ClinVar contains an entry for this variant (Variation ID: 102812). Based on the evidence outlined above, the variant was classified as likely pathogenic.

GeneDx
Classification: Pathogenic. Last evaluated: 2015-03-26. Review status: criteria provided, single submitter. Criteria: GeneDx Variant Classification (06012015). Collection method: clinical testing. Allele origin: germline. Affected: yes. Not counted in ClinVar's aggregate classification.
Comment: The A246D missense variants in the PAH gene has been reported as a pathogenicvariant in the PAH Consortium database. To our knowledge, information onthe phenotype of patients harboring the A246D variant has not been published. A246D is a non-conservative amino acid substitution, which is likely to impact secondary protein structure as these residuesdiffer in polarity, charge, size and/or other properties, and a missense variant at the same position(A246V) and in many nearby residues (R243L/Q, P244L, V245L/E/A, G247S/R/V/D, L248R/P,L249F/P/H) have been reported in the Human Gene Mutation Database in association with PKU (Stensonet al., 2014), supporting the functional importance of this region of the protein. Therefore, we interpretA246D to be a pathogenic variant.

DeBelle Laboratory for Biochemical Genetics, MUHC/MCH RESEARCH INSTITUTE
No classification provided. Review status: no classification provided. Collection method: not provided. Allele origin: not provided. Not counted in ClinVar's aggregate classification.

Literature cited by the submitters: PubMed 12173030 (cited by ClinGen PAH Variant Curation Expert Panel and Myriad Genetics, Inc.); PubMed 9012412 (cited by 3 submitters); PubMed 32668217 (cited by Labcorp Genetics (formerly Invitae), Labcorp and Women's Health and Genetics/Laboratory Corporation of America, LabCorp); PubMed 31623983 (cited by Myriad Genetics, Inc.).